The following is an entry in ClinVar:

ClinVar aggregate classification (germline): Uncertain significance. Review status: criteria provided, multiple submitters, no conflicts (2 of 4 stars). 5 submissions from 4 submitters: Uncertain significance (5). Last evaluated 2023-11-04.

Conditions:
Retinitis pigmentosa 39 (RP39). Identifiers: Orphanet 791, MedGen C3151138, MONDO:0013436, OMIM 613809.
Usher syndrome type 2A. Also called: USHER SYNDROME, TYPE IIA; RETINAL DISEASE IN USHER SYNDROME TYPE IIA, MODIFIER OF. Identifiers: Orphanet 231178, Orphanet 886, MedGen C1848634, MONDO:0010169, OMIM 276901.

Allele frequency attached by ClinVar (database versions not stated): TOPMed below 0.00001.

Submissions (5):

Genome-Nilou Lab
Classification: Uncertain significance for Retinitis pigmentosa 39. Last evaluated: 2023-11-04. Review status: criteria provided, single submitter. Criteria: ACMG Guidelines, 2015. Collection method: clinical testing. Allele origin: germline. Affected: no.

Genome-Nilou Lab
Classification: Uncertain significance for Usher syndrome type 2A. Last evaluated: 2023-11-04. Review status: criteria provided, single submitter. Criteria: ACMG Guidelines, 2015. Collection method: clinical testing. Allele origin: germline. Affected: no.

Labcorp Genetics (formerly Invitae), Labcorp
Classification: Uncertain significance. Last evaluated: 2022-08-16. Review status: criteria provided, single submitter. Criteria: Invitae Variant Classification Sherloc (09022015). Collection method: clinical testing. Allele origin: germline.
Comment: This sequence change replaces leucine, which is neutral and non-polar, with phenylalanine, which is neutral and non-polar, at codon 1582 of the USH2A protein (p.Leu1582Phe). This variant is not present in population databases (gnomAD no frequency). This variant has not been reported in the literature in individuals affected with USH2A-related conditions. ClinVar contains an entry for this variant (Variation ID: 506009). Algorithms developed to predict the effect of missense changes on protein structure and function are either unavailable or do not agree on the potential impact of this missense change (SIFT: "Deleterious"; PolyPhen-2: "Probably Damaging"; Align-GVGD: "Class C15"). In summary, the available evidence is currently insufficient to determine the role of this variant in disease. Therefore, it has been classified as a Variant of Uncertain Significance.

Blueprint Genetics
Classification: Uncertain significance. Last evaluated: 2019-01-04. Review status: criteria provided, single submitter. Criteria: ACMG Guidelines, 2015. Collection method: clinical testing. Allele origin: germline.

Laboratory for Molecular Medicine, Mass General Brigham Personalized Medicine
Classification: Uncertain significance. Last evaluated: 2017-08-17. Review status: criteria provided, single submitter. Criteria: LMM Criteria. Collection method: clinical testing. Allele origin: germline. Observed: 1 variant allele.
Comment: The p.Leu1582Phe variant in USH2A has not been previously reported in individual s with hearing loss or Usher syndrome, or in large population studies. Computati onal prediction tools and conservation analyses suggest that this variant may im pact the protein, though this information is not predictive enough to determine pathogenicity. In summary, the clinical significance of the p.Leu1582Phe variant is uncertain.

NM_206933.4(USH2A):c.4744C>T (p.Leu1582Phe)

Gene: USH2A (usherin; minus strand). Cytogenetic location: 1q41.
Variant type: single nucleotide variant.
Coding change: c.4744C>T on transcript NM_206933.4 (MANE Select); coding-DNA position 4744, C replaced by T.
Protein change: p.Leu1582Phe; replaces leucine 1582 with phenylalanine.
Molecular consequence: missense variant.
Genome position (GRCh38, 1-based): chr1:216,097,097, G>A on the plus strand (C>T on the coding strand, the complement: USH2A is on the minus strand). VCF-style: chr1-216097097-G-A. GRCh37 (hg19) VCF-style: chr1-216270439-G-A.
Other names: short protein forms L1582F.
Identifiers: ClinVar variation 506009 (VCV000506009.9), dbSNP rs866592573, ClinGen allele CA37455835.